The following is an entry in ClinVar:

ClinVar aggregate classification (germline): Uncertain significance. Review status: criteria provided, multiple submitters, no conflicts (2 of 4 stars). 2 submissions from 2 submitters: Uncertain significance (2). Last evaluated 2026-03-01.

Submissions (2):

CeGaT Center for Human Genetics Tuebingen
Classification: Uncertain significance. Last evaluated: 2026-03-01. Review status: criteria provided, single submitter. Criteria: CeGaT Center For Human Genetics Tuebingen Variant Classification Criteria Version 2. Collection method: clinical testing. Allele origin: germline. Affected: yes. Observed: 1 variant allele.
Comment: ITSN1: PM2, PP2, BP4

GeneDx
Classification: Uncertain significance. Last evaluated: 2023-12-10. Review status: criteria provided, single submitter. Criteria: GeneDx Variant Classification Process June 2021. Collection method: clinical testing. Allele origin: germline. Affected: yes.
Comment: Not observed at significant frequency in large population cohorts (gnomAD); In silico analysis supports that this missense variant does not alter protein structure/function; Has not been previously published as pathogenic or benign to our knowledge

NM_003024.3(ITSN1):c.1006G>C (p.Glu336Gln)

Gene: ITSN1 (intersectin 1; plus strand). Cytogenetic location: 21q22.11.
Variant type: single nucleotide variant.
Coding change: c.1006G>C on transcript NM_003024.3 (MANE Select); coding-DNA position 1006, G replaced by C.
Protein change: p.Glu336Gln; replaces glutamic acid 336 with glutamine.
Molecular consequence: missense variant.
Genome position (GRCh38, 1-based): chr21:33,767,792, G>C. VCF-style: chr21-33767792-G-C. GRCh37 (hg19) VCF-style: chr21-35140096-G-C.
Other names: c.1006G>C, p.Glu336Gln (NM_001001132.2, NM_001331008.2, NM_001331009.2 and 2 more transcripts); c.895G>C, p.Glu299Gln (NM_001331012.2); short protein forms E299Q, E336Q.
Identifiers: ClinVar variation 3365320 (VCV003365320.5).